The following is an entry in ClinVar:

ClinVar aggregate classification (germline): Uncertain significance. Review status: criteria provided, multiple submitters, no conflicts (2 of 4 stars). 2 submissions from 2 submitters: Uncertain significance (2). Last evaluated 2024-10-04.

Conditions:
Inborn genetic diseases. Identifiers: MedGen C0950123, MeSH D030342.

Allele frequency attached by ClinVar (database versions not stated): ExAC 0.00001; gnomAD exomes 0.00001 and 0.00002; gnomAD 0.00007; TOPMed 0.00008.
gnomAD v4.1: 17 of 1,613,890 alleles (0.0011%); highest among the groups gnomAD compares: African/African-American, 0.021%; no homozygotes.

Submissions (2):

Ambry Genetics
Classification: Uncertain significance for Inborn genetic diseases. Last evaluated: 2024-10-04. Review status: criteria provided, single submitter. Criteria: Ambry Variant Classification Scheme 2023. Collection method: clinical testing. Allele origin: germline.

Labcorp Genetics (formerly Invitae), Labcorp
Classification: Uncertain significance. Last evaluated: 2021-11-23. Review status: criteria provided, single submitter. Criteria: Invitae Variant Classification Sherloc (09022015). Collection method: clinical testing. Allele origin: germline.
Comment: This sequence change replaces glutamic acid, which is acidic and polar, with lysine, which is basic and polar, at codon 635 of the MCPH1 protein (p.Glu635Lys). This variant is present in population databases (rs745847798, gnomAD 0.03%). This variant has not been reported in the literature in individuals affected with MCPH1-related conditions. Algorithms developed to predict the effect of missense changes on protein structure and function output the following: SIFT: "Not Available"; PolyPhen-2: "Benign"; Align-GVGD: "Not Available". The lysine amino acid residue is found in multiple mammalian species, which suggests that this missense change does not adversely affect protein function. In summary, the available evidence is currently insufficient to determine the role of this variant in disease. Therefore, it has been classified as a Variant of Uncertain Significance.

NM_024596.5(MCPH1):c.1903G>A (p.Glu635Lys)

Gene: MCPH1 (microcephalin 1; plus strand). Cytogenetic location: 8p23.1.
Variant type: single nucleotide variant.
Coding change: c.1903G>A on transcript NM_024596.5 (MANE Select); coding-DNA position 1903, G replaced by A.
Protein change: p.Glu635Lys; replaces glutamic acid 635 with lysine.
Molecular consequence: missense variant.
Genome position (GRCh38, 1-based): chr8:6,455,220, G>A. VCF-style: chr8-6455220-G-A. GRCh37 (hg19) VCF-style: chr8-6312741-G-A.
Other names: c.1903G>A, p.Glu635Lys (NM_001322042.2, NM_001363979.1, NM_001363980.2); c.1903G>A (NM_024596.3); short protein forms E635K.
Identifiers: ClinVar variation 1462255 (VCV001462255.4), dbSNP rs745847798, ClinGen allele CA4610695.